The following is an entry in ClinVar:

ClinVar aggregate classification (germline): Uncertain significance. Review status: criteria provided, multiple submitters, no conflicts (2 of 4 stars). 2 submissions from 2 submitters: Uncertain significance (2). Last evaluated 2025-08-01.

Conditions:
Progressive myoclonic epilepsy type 7. Identifiers: Orphanet 435438, MedGen C4015420, MONDO:0014521, OMIM 616187.

Submissions (2):

CeGaT Center for Human Genetics Tuebingen
Classification: Uncertain significance. Last evaluated: 2025-08-01. Review status: criteria provided, single submitter. Criteria: CeGaT Center For Human Genetics Tuebingen Variant Classification Criteria Version 2. Collection method: clinical testing. Allele origin: germline. Affected: yes. Observed: 2 variant alleles.
Comment: KCNC1: PM2, PP2, PP3

Labcorp Genetics (formerly Invitae), Labcorp
Classification: Uncertain significance for Progressive myoclonic epilepsy type 7. Last evaluated: 2022-12-02. Review status: criteria provided, single submitter. Criteria: Invitae Variant Classification Sherloc (09022015). Collection method: clinical testing. Allele origin: germline.
Comment: In summary, the available evidence is currently insufficient to determine the role of this variant in disease. Therefore, it has been classified as a Variant of Uncertain Significance. Advanced modeling of protein sequence and biophysical properties (such as structural, functional, and spatial information, amino acid conservation, physicochemical variation, residue mobility, and thermodynamic stability) performed at Invitae indicates that this missense variant is expected to disrupt KCNC1 protein function. This variant has not been reported in the literature in individuals affected with KCNC1-related conditions. This variant is not present in population databases (gnomAD no frequency). This sequence change replaces alanine, which is neutral and non-polar, with threonine, which is neutral and polar, at codon 360 of the KCNC1 protein (p.Ala360Thr).

NM_001112741.2(KCNC1):c.1078G>A (p.Ala360Thr)

Gene: KCNC1 (potassium voltage-gated channel subfamily C member 1; plus strand). Cytogenetic location: 11p15.1.
Variant type: single nucleotide variant.
Coding change: c.1078G>A on transcript NM_001112741.2 (MANE Select); coding-DNA position 1078, G replaced by A.
Protein change: p.Ala360Thr; replaces alanine 360 with threonine.
Molecular consequence: missense variant.
Genome position (GRCh38, 1-based): chr11:17,772,172, G>A. VCF-style: chr11-17772172-G-A. GRCh37 (hg19) VCF-style: chr11-17793719-G-A.
Other names: c.1078G>A, p.Ala360Thr (NM_004976.4); short protein forms A360T.
Identifiers: ClinVar variation 2816357 (VCV002816357.24), dbSNP rs2497800559, ClinGen allele CA379807938.
Genomic context (GRCh38, chr11:17,772,172, plus strand): 5'-GCCAGCACCAACGAGTTCCTGCTGCTCATCATCTTCCTGGCCTTGGGCGTGCTGATCTTC[G>A]CCACCATGATCTACTACGCCGAGAGGATAGGGGCACAGCCCAATGACCCCAGCGCCAGTG-3'
Protein context (NP_001106212.1, residues 350-370): IFLALGVLIF[Ala360Thr]TMIYYAERIG